The following is an entry in ClinVar:

ClinVar aggregate classification (germline): Uncertain significance (1 of 4 stars; one submission).

Conditions:
Neuropathy, hereditary sensory and autonomic, type 2A (HSAN2A). Also called: HSAN IIA; WNK1-Related HSAN2 (HSAN2A); ACROOSTEOLYSIS, GIACCAI TYPE; ACROOSTEOLYSIS, NEUROGENIC; MORVAN DISEASE; NEUROPATHY, CONGENITAL SENSORY. Identifiers: Orphanet 970, MedGen C2752089, MONDO:0024309, OMIM 201300.
Generalized epilepsy with febrile seizures plus, type 7 (GEFSP7). Also called: GEFS+, TYPE 7. Identifiers: Orphanet 36387, MedGen C2751778, MONDO:0013470, OMIM 613863.

Submission:

Labcorp Genetics (formerly Invitae), Labcorp
Classification: Uncertain significance for Neuropathy, hereditary sensory and autonomic, type 2A; Generalized epilepsy with febrile seizures plus, type 7. Last evaluated: 2023-03-26. Review status: criteria provided, single submitter. Criteria: Invitae Variant Classification Sherloc (09022015). Collection method: clinical testing. Allele origin: germline.
Comment: This sequence change replaces phenylalanine, which is neutral and non-polar, with leucine, which is neutral and non-polar, at codon 1794 of the SCN9A protein (p.Phe1794Leu). This variant is not present in population databases (gnomAD no frequency). This variant has not been reported in the literature in individuals affected with SCN9A-related conditions. Advanced modeling of protein sequence and biophysical properties (such as structural, functional, and spatial information, amino acid conservation, physicochemical variation, residue mobility, and thermodynamic stability) performed at Invitae indicates that this missense variant is not expected to disrupt SCN9A protein function. In summary, the available evidence is currently insufficient to determine the role of this variant in disease. Therefore, it has been classified as a Variant of Uncertain Significance.

NM_001365536.1(SCN9A):c.5413T>C (p.Phe1805Leu)

Genes: SCN9A (sodium voltage-gated channel alpha subunit 9; minus strand), SCN1A-AS1 (SCN1A and SCN9A antisense RNA 1; plus strand). Cytogenetic location: 2q24.3.
Variant type: single nucleotide variant.
Coding change: c.5413T>C on transcript NM_001365536.1 (MANE Select); coding-DNA position 5413, T replaced by C.
Protein change: p.Phe1805Leu; replaces phenylalanine 1805 with leucine.
Molecular consequence: missense variant.
Genome position (GRCh38, 1-based): chr2:166,199,226, A>G on the plus strand (T>C on the coding strand, the complement: SCN9A is on the minus strand). VCF-style: chr2-166199226-A-G. GRCh37 (hg19) VCF-style: chr2-167055736-A-G.
Other names: c.5380T>C, p.Phe1794Leu (NM_002977.4); short protein forms F1794L, F1805L.
Identifiers: ClinVar variation 2945469 (VCV002945469.3), dbSNP rs2468876366, ClinGen allele CA349052972.